The following is an entry in ClinVar:

NM_001322934.2(NFKB2):c.1348del (p.Leu450fs)

Genes: NFKB2 (nuclear factor kappa B subunit 2; plus strand), LOC130004599 (ATAC-STARR-seq lymphoblastoid silent region 2756; plus strand). Cytogenetic location: 10q24.32.
Variant type: Deletion.
Coding change: c.1348del on transcript NM_001322934.2 (MANE Select); coding-DNA position 1348, one base deleted (C; older notation c.1348delC).
Protein change: p.Leu450fs; shifts the reading frame from leucine 450.
Molecular consequence: frameshift variant.
Genome position (GRCh38, 1-based): chr10:102,399,597, C deleted; the last of 2 consecutive C bases (chr10:102,399,596-102,399,597); deleting either gives the same sequence. VCF-style (leftmost placement, unchanged base first): chr10-102399595-GC-G. GRCh37 (hg19) VCF-style: chr10-104159352-GC-G.
Other names: c.1348del, p.Leu450fs (NM_001077494.3, NM_001261403.3, NM_001288724.1 and 1 more transcripts); c.1222del, p.Leu408fs (NM_001322935.1); short protein forms L408fs, L450fs.
Identifiers: ClinVar variation 4846873 (VCV004846873.1).
Genomic context (GRCh38, chr10:102,399,595, plus strand): 5'-GCTGAGGACCTAGCCCTGACCCACGCCCTCTGTGGCCCGTAGCTCGAGAGTACAACGCGC[GC>G]CTGTTCGGCCTGGCGCAGCGCAGCGCCCGAGCCCTACTCGACTACGGCGTCACCGCGGAC-3'

ClinVar aggregate classification (germline): Likely pathogenic (1 of 4 stars; one submission).

Conditions:
Immunodeficiency, common variable, 10. Also called: IMMUNODEFICIENCY, COMMON VARIABLE, WITH CENTRAL ADRENAL INSUFFICIENCY; DEFICIT IN ANTERIOR PITUITARY FUNCTION AND VARIABLE IMMUNODEFICIENCY. Identifiers: MedGen C3809991, MONDO:0014260, OMIM 615577.

Submission:

Laboratorio de Genetica e Diagnostico Molecular, Hospital Israelita Albert Einstein
Classification: Likely pathogenic for Immunodeficiency, common variable, 10. Last evaluated: 2025-08-28. Review status: criteria provided, single submitter. Criteria: ACMG Guidelines, 2015. Collection method: clinical testing. Allele origin: germline. Affected: yes.
Comment: ACMG classification criteria: PVS1 very strong, PM2 supporting